The following is an entry in ClinVar:

NM_001267550.2(TTN):c.43431C>G (p.Tyr14477Ter)

Gene: TTN (titin; minus strand). Cytogenetic location: 2q31.2.
Variant type: single nucleotide variant.
Coding change: c.43431C>G on transcript NM_001267550.2 (MANE Select); coding-DNA position 43431, C replaced by G.
Protein change: p.Tyr14477Ter; replaces tyrosine 14477 with a stop codon.
Molecular consequence: nonsense.
Genome position (GRCh38, 1-based): chr2:178,632,575, G>C on the plus strand (C>G on the coding strand, the complement: TTN is on the minus strand). VCF-style: chr2-178632575-G-C. GRCh37 (hg19) VCF-style: chr2-179497302-G-C.
Other names: p.Tyr12836*; c.38508C>G, p.Tyr12836Ter (NM_001256850.1); c.16236C>G, p.Tyr5412Ter (NM_003319.4); c.35727C>G, p.Tyr11909Ter (NM_133378.4); c.16611C>G, p.Tyr5537Ter (NM_133432.3); c.16812C>G, p.Tyr5604Ter (NM_133437.4); short protein forms Y12836*, Y14477*, Y5412*, Y5537*, Y11909*, Y5604*.
Identifiers: ClinVar variation 1470072 (VCV001470072.7), dbSNP rs1559955466, ClinGen allele CA349650714.
Genomic context (GRCh38, chr2:178,632,575, plus strand): 5'-AAACTATTTACCTTCAATGATCAGTTTGCCACTTGTGTGCTTATCTTCAGCTTCAAACAT[G>C]TATTTTGCTTCATCTTCAAAAGCAGCTGACTTGATCACCATTGAATGCTTAGTGCCATCC-3'

ClinVar aggregate classification (germline): Pathogenic/Likely pathogenic. Review status: criteria provided, multiple submitters, no conflicts (2 of 4 stars). 2 submissions from 2 submitters: Pathogenic (1); Likely pathogenic (1). Last evaluated 2025-05-19.

Conditions:
Dilated cardiomyopathy 1G (CMD1G). Identifiers: Orphanet 154, MedGen C1858763, MONDO:0011400, OMIM 604145.
Autosomal recessive limb-girdle muscular dystrophy type 2J (LGMDR10). Also called: Limb-girdle muscular dystrophy, type 2J; MUSCULAR DYSTROPHY, LIMB-GIRDLE, AUTOSOMAL RECESSIVE 10. Identifiers: Orphanet 140922, MedGen C1837342, MONDO:0012127, OMIM 608807.

Submissions (2):

Mayo Clinic Laboratories, Mayo Clinic
Classification: Likely pathogenic. Last evaluated: 2025-05-19. Review status: criteria provided, single submitter. Criteria: ACMG Guidelines, 2015. Collection method: clinical testing. Allele origin: germline. Observed: 1 variant allele.
Comment: PM2_supporting, PVS1

Labcorp Genetics (formerly Invitae), Labcorp
Classification: Pathogenic for Dilated cardiomyopathy 1G; Autosomal recessive limb-girdle muscular dystrophy type 2J. Last evaluated: 2024-10-18. Review status: criteria provided, single submitter. Criteria: Invitae Variant Classification Sherloc (09022015). Collection method: clinical testing. Allele origin: germline.
Comment: This sequence change creates a premature translational stop signal (p.Tyr14477*) in the TTN gene. While this is not anticipated to result in nonsense mediated decay, it is expected to create a truncated TTN protein. This variant is not present in population databases (gnomAD no frequency). This premature translational stop signal has been observed in individuals with dilated cardiomyopathy (PMID: 34731015; internal data). ClinVar contains an entry for this variant (Variation ID: 1470072). This variant is located in the I band of TTN (PMID: 25589632). Truncating variants in this region have been reported in individuals affected with autosomal recessive centronuclear myopathy (PMID: 23975875, internal data). Truncating variants in this region have also been identified in individuals affected with autosomal dominant dilated cardiomyopathy and/or cardio-related conditions (PMID: 27869827, 32964742, internal data). For these reasons, this variant has been classified as Pathogenic.

Literature cited by the submitters: PubMed 34731015 (cited by Mayo Clinic Laboratories, Mayo Clinic and Labcorp Genetics (formerly Invitae), Labcorp); PubMed 25589632 (cited by Labcorp Genetics (formerly Invitae), Labcorp); PubMed 23975875 (cited by Labcorp Genetics (formerly Invitae), Labcorp); PubMed 27869827 (cited by Labcorp Genetics (formerly Invitae), Labcorp); PubMed 32964742 (cited by Labcorp Genetics (formerly Invitae), Labcorp).